The following is an entry in ClinVar:

ClinVar aggregate classification (germline): Uncertain significance (1 of 4 stars; one submission).

Conditions:
POLD1-related polyposis and colorectal cancer syndrome (CRCS10). Also called: Colorectal cancer 10; COLORECTAL CANCER, SUSCEPTIBILITY TO, ON CHROMOSOME 19q; Colorectal cancer, susceptibility to, 10. Identifiers: Orphanet 220460, MedGen C2675481, MONDO:0012953, OMIM 612591.

Submission:

Labcorp Genetics (formerly Invitae), Labcorp
Classification: Uncertain significance for POLD1-related polyposis and colorectal cancer syndrome. Last evaluated: 2025-02-15. Review status: criteria provided, single submitter. Criteria: Invitae Variant Classification Sherloc (09022015). Collection method: clinical testing. Allele origin: germline.
Comment: This sequence change replaces proline, which is neutral and non-polar, with leucine, which is neutral and non-polar, at codon 107 of the POLD1 protein (p.Pro107Leu). This variant is not present in population databases (gnomAD no frequency). This variant has not been reported in the literature in individuals affected with POLD1-related conditions. ClinVar contains an entry for this variant (Variation ID: 3020600). Invitae Evidence Modeling of protein sequence and biophysical properties (such as structural, functional, and spatial information, amino acid conservation, physicochemical variation, residue mobility, and thermodynamic stability) indicates that this missense variant is not expected to disrupt POLD1 protein function with a negative predictive value of 80%. In summary, the available evidence is currently insufficient to determine the role of this variant in disease. Therefore, it has been classified as a Variant of Uncertain Significance.

NM_002691.4(POLD1):c.320C>T (p.Pro107Leu)

Gene: POLD1 (DNA polymerase delta 1, catalytic subunit; plus strand). Cytogenetic location: 19q13.33.
Variant type: single nucleotide variant.
Coding change: c.320C>T on transcript NM_002691.4 (MANE Select); coding-DNA position 320, C replaced by T.
Protein change: p.Pro107Leu; replaces proline 107 with leucine.
Molecular consequence: missense variant. On other transcripts: non-coding transcript variant (1).
Genome position (GRCh38, 1-based): chr19:50,401,781, C>T. VCF-style: chr19-50401781-C-T. GRCh37 (hg19) VCF-style: chr19-50905038-C-T.
Other names: c.320C>T, p.Pro107Leu (NM_001256849.1, NM_001308632.1); short protein forms P107L.
Identifiers: ClinVar variation 3020600 (VCV003020600.3), dbSNP rs2513954715, ClinGen allele CA406972049.